The following is an entry in ClinVar:

ClinVar aggregate classification (germline): Uncertain significance (1 of 4 stars; one submission).

Conditions:
Multiple congenital exostosis (EXT). Also called: Hereditary multiple osteochondromas; MULTIPLE CARTILAGINOUS EXOSTOSES; Hereditary multiple exostoses; Hereditary multiple exostosis; Multiple exostoses; Multiple osteochondromas. Identifiers: Orphanet 321, MedGen C0015306, MONDO:0005508, HP:0002762.

Allele frequency attached by ClinVar (database versions not stated): gnomAD exomes below 0.00001; gnomAD 0.00001; TOPMed 0.00001; ExAC 0.00002; 1000 Genomes Project 30x 0.00016; 1000 Genomes Project 0.00020.
gnomAD v4.1: 5 of 1,613,418 alleles (0.00031%); highest among the groups gnomAD compares: East Asian, 0.0089%; no homozygotes.

Submission:

Labcorp Genetics (formerly Invitae), Labcorp
Classification: Uncertain significance for Multiple congenital exostosis. Last evaluated: 2022-06-08. Review status: criteria provided, single submitter. Criteria: Invitae Variant Classification Sherloc (09022015). Collection method: clinical testing. Allele origin: germline.
Comment: In summary, the available evidence is currently insufficient to determine the role of this variant in disease. Therefore, it has been classified as a Variant of Uncertain Significance. Advanced modeling of protein sequence and biophysical properties (such as structural, functional, and spatial information, amino acid conservation, physicochemical variation, residue mobility, and thermodynamic stability) performed at Invitae indicates that this missense variant is not expected to disrupt EXT1 protein function. This variant has not been reported in the literature in individuals affected with EXT1-related conditions. This variant is present in population databases (rs531329914, gnomAD 0.02%). This sequence change replaces isoleucine, which is neutral and non-polar, with methionine, which is neutral and non-polar, at codon 444 of the EXT1 protein (p.Ile444Met).

NM_000127.3(EXT1):c.1332A>G (p.Ile444Met)

Gene: EXT1 (exostosin glycosyltransferase 1; minus strand). Cytogenetic location: 8q24.11.
Variant type: single nucleotide variant.
Coding change: c.1332A>G on transcript NM_000127.3 (MANE Select); coding-DNA position 1332, A replaced by G.
Protein change: p.Ile444Met; replaces isoleucine 444 with methionine.
Molecular consequence: missense variant.
Genome position (GRCh38, 1-based): chr8:117,822,550, T>C on the plus strand (A>G on the coding strand, the complement: EXT1 is on the minus strand). VCF-style: chr8-117822550-T-C. GRCh37 (hg19) VCF-style: chr8-118834789-T-C.
Other names: short protein forms I444M.
Identifiers: ClinVar variation 2150242 (VCV002150242.4), dbSNP rs531329914, ClinGen allele CA4854167.